The following is an entry in ClinVar:

NM_001408.3(CELSR2):c.6635C>G (p.Thr2212Arg)

Gene: CELSR2 (cadherin EGF LAG seven-pass G-type receptor 2; plus strand). Cytogenetic location: 1p13.3.
Variant type: single nucleotide variant.
Coding change: c.6635C>G on transcript NM_001408.3 (MANE Select); coding-DNA position 6635, C replaced by G.
Protein change: p.Thr2212Arg; replaces threonine 2212 with arginine.
Molecular consequence: missense variant.
Genome position (GRCh38, 1-based): chr1:109,269,113, C>G. VCF-style: chr1-109269113-C-G. GRCh37 (hg19) VCF-style: chr1-109811735-C-G.
Other names: short protein forms T2212R.
Identifiers: ClinVar variation 4766209 (VCV004766209.1).

ClinVar aggregate classification (germline): Uncertain significance (1 of 4 stars; one submission).

Submission:

Labcorp Genetics (formerly Invitae), Labcorp
Classification: Uncertain significance. Last evaluated: 2025-09-18. Review status: criteria provided, single submitter. Criteria: Invitae Variant Classification Sherloc (09022015). Collection method: clinical testing. Allele origin: germline.
Comment: This sequence change replaces threonine, which is neutral and polar, with arginine, which is basic and polar, at codon 2212 of the CELSR2 protein (p.Thr2212Arg). This variant is present in population databases (no rsID available, gnomAD 0.03%). This variant has not been reported in the literature in individuals affected with CELSR2-related conditions. Invitae Evidence Modeling of protein sequence and biophysical properties (such as structural, functional, and spatial information, amino acid conservation, physicochemical variation, residue mobility, and thermodynamic stability) indicates that this missense variant is not expected to disrupt CELSR2 protein function with a negative predictive value of 80%. In summary, the available evidence is currently insufficient to determine the role of this variant in disease. Therefore, it has been classified as a Variant of Uncertain Significance.